The following is an entry in ClinVar:

NM_012064.4(MIP):c.698G>A (p.Arg233Lys)

Gene: MIP (major intrinsic protein of lens fiber; minus strand). Cytogenetic location: 12q13.3.
Variant type: single nucleotide variant.
Coding change: c.698G>A on transcript NM_012064.4 (MANE Select); coding-DNA position 698, G replaced by A.
Protein change: p.Arg233Lys; replaces arginine 233 with lysine.
Molecular consequence: missense variant.
Genome position (GRCh38, 1-based): chr12:56,451,374, C>T on the plus strand (G>A on the coding strand, the complement: MIP is on the minus strand). VCF-style: chr12-56451374-C-T. GRCh37 (hg19) VCF-style: chr12-56845158-C-T.
Other names: short protein forms R233K.
Identifiers: ClinVar variation 432015 (VCV000432015.2), dbSNP rs1555179699, ClinGen allele CA385269516.

ClinVar aggregate classification (germline): Pathogenic (1 of 4 stars; one submission).

Allele frequency attached by ClinVar (database versions not stated): TOPMed below 0.00001.

Submission:

GeneDx
Classification: Pathogenic. Last evaluated: 2017-05-08. Review status: criteria provided, single submitter. Criteria: GeneDx Variant Classification (06012015). Collection method: clinical testing. Allele origin: germline. Affected: yes.
Comment: The R233K variant in the MIP gene has been reported previously in multiple individuals with bilateralcongenital cataract in a large Chinese kindred (Lin et al., 2007). Functional studies demonstrate thatthe R233K variant decreases the binding affinity of MIP to calmodulin with reduced sensitivity toCa2+ concentration as compared to wild-type (Hu et al., 2012). The R233K variant is not observed inlarge population cohorts (Lek et al., 2016; 1000 Genomes Consortium et al., 2015; Exome VariantServer). The R233K variant is a conservative amino acid substitution, that occurs at a position that isconserved across species.We interpret R233K as a pathogenic variant.